The following is an entry in ClinVar:

NM_003108.4(SOX11):c.423C>T (p.Ser141=)

Gene: SOX11 (SRY-box transcription factor 11; plus strand). Cytogenetic location: 2p25.2.
Variant type: single nucleotide variant.
Coding change: c.423C>T on transcript NM_003108.4 (MANE Select); coding-DNA position 423, C replaced by T.
Protein change: p.Ser141=; no amino-acid change (serine 141 retained).
Molecular consequence: synonymous variant.
Genome position (GRCh38, 1-based): chr2:5,693,144, C>T. VCF-style: chr2-5693144-C-T. GRCh37 (hg19) VCF-style: chr2-5833276-C-T.
Identifiers: ClinVar variation 3682464 (VCV003682464.2).

ClinVar aggregate classification (germline): Uncertain significance (1 of 4 stars; one submission).

gnomAD v4.1: 1 of 1,602,862 alleles (0.000062%); highest among the groups gnomAD compares: South Asian, 0.0011%; no homozygotes.

Submission:

Labcorp Genetics (formerly Invitae), Labcorp
Classification: Uncertain significance. Last evaluated: 2024-12-18. Review status: criteria provided, single submitter. Criteria: Invitae Variant Classification Sherloc (09022015). Collection method: clinical testing. Allele origin: germline.
Comment: This sequence change affects codon 141 of the SOX11 mRNA. It is a 'silent' change, meaning that it does not change the encoded amino acid sequence of the SOX11 protein. This variant is present in population databases (no rsID available, gnomAD 0.003%). This variant has not been reported in the literature in individuals affected with SOX11-related conditions. In summary, the available evidence is currently insufficient to determine the role of this variant in disease. Therefore, it has been classified as a Variant of Uncertain Significance.